The following is an entry in ClinVar:

NM_000238.4(KCNH2):c.2417G>A (p.Gly806Glu)

Gene: KCNH2 (potassium voltage-gated channel subfamily H member 2; minus strand). Cytogenetic location: 7q36.1.
Variant type: single nucleotide variant.
Coding change: c.2417G>A on transcript NM_000238.4 (MANE Select); coding-DNA position 2417, G replaced by A.
Protein change: p.Gly806Glu; replaces glycine 806 with glutamic acid.
Molecular consequence: missense variant. On other transcripts: non-coding transcript variant (2).
Genome position (GRCh38, 1-based): chr7:150,949,031, C>T on the plus strand (G>A on the coding strand, the complement: KCNH2 is on the minus strand). VCF-style: chr7-150949031-C-T. GRCh37 (hg19) VCF-style: chr7-150646119-C-T.
Other names: p.G806E:GGG>GAG; c.2417G>A (LRG_288t1); c.2129G>A, p.Gly710Glu (NM_001406753.1); c.1397G>A, p.Gly466Glu (NM_172057.3); short protein forms G466E, G806E, G710E.
Identifiers: ClinVar variation 67398 (VCV000067398.11), dbSNP rs199473000, ClinGen allele CA006718.

ClinVar aggregate classification (germline): Conflicting classifications of pathogenicity. Review status: criteria provided, conflicting classifications (1 of 4 stars). 4 submissions from 4 submitters: Likely pathogenic (1); Uncertain significance (2). 1 of the submissions does not count toward it. Last evaluated 2021-03-12.

Conditions:
Cardiovascular phenotype. Identifiers: MedGen CN230736.
Familial long QT syndrome (RWS). Also called: Romano-Ward syndrome; VENTRICULAR FIBRILLATION WITH PROLONGED QT INTERVAL; Congenital long QT syndrome. Identifiers: Orphanet 768, MedGen C1141890, MONDO:0019171.
Long QT syndrome (LQTS). Identifiers: MedGen C0023976, MeSH D008133, MONDO:0002442. Disease mechanism: loss of function. Inheritance: Various modes of inheritance.

Submissions (4):

GeneDx
Classification: Likely pathogenic. Last evaluated: 2021-03-12. Review status: criteria provided, single submitter. Criteria: GeneDx Variant Classification Process June 2021. Collection method: clinical testing. Allele origin: germline. Affected: yes.
Comment: Not observed in large population cohorts (Lek et al., 2016); In silico analysis supports that this missense variant has a deleterious effect on protein structure/function; Published functional studies suggest a damaging effect on protein trafficking (Anderson et al., 2014); This variant is associated with the following publications: (PMID: 19716085, 22581653, 25417810)

Labcorp Genetics (formerly Invitae), Labcorp
Classification: Uncertain significance for Long QT syndrome. Last evaluated: 2021-03-02. Review status: criteria provided, single submitter. Criteria: Invitae Variant Classification Sherloc (09022015). Collection method: clinical testing. Allele origin: germline.
Comment: This sequence change replaces glycine with glutamic acid at codon 806 of the KCNH2 protein (p.Gly806Glu). The glycine residue is highly conserved and there is a moderate physicochemical difference between glycine and glutamic acid. This variant is not present in population databases (ExAC no frequency). This variant has been observed in individual(s) with clinical features of long QT syndrome (PMID: 19716085, Invitae). ClinVar contains an entry for this variant (Variation ID: 67398). Experimental studies have shown that this variant affects KCNH2 protein function (PMID: 25417810). In summary, the available evidence is currently insufficient to determine the role of this variant in disease. Therefore, it has been classified as a Variant of Uncertain Significance.

Ambry Genetics
Classification: Uncertain significance for Cardiovascular phenotype. Last evaluated: 2017-07-25. Review status: criteria provided, single submitter. Criteria: Ambry Variant Classification Scheme 2023. Collection method: clinical testing. Allele origin: germline.

Cardiovascular Biomedical Research Unit, Royal Brompton & Harefield NHS Foundation Trust
No classification provided. Condition: Familial long QT syndrome. Review status: no classification provided. Collection method: literature only. Allele origin: germline. Not counted in ClinVar's aggregate classification.
Comment: This variant has been reported as associated with Long QT syndrome in the following publications (PMID:19716085). This is a literature report, and does not necessarily reflect the clinical interpretation of the Imperial College / Royal Brompton Cardiovascular Genetics laboratory.

Literature cited by the submitters: PubMed 19716085 (cited by Labcorp Genetics (formerly Invitae), Labcorp and Cardiovascular Biomedical Research Unit, Royal Brompton & Harefield NHS Foundation Trust); PubMed 25417810 (cited by Labcorp Genetics (formerly Invitae), Labcorp); PubMed 22581653 (cited by Cardiovascular Biomedical Research Unit, Royal Brompton & Harefield NHS Foundation Trust).